The following is an entry in ClinVar:

NM_000141.5(FGFR2):c.1780C>G (p.Pro594Ala)

Gene: FGFR2 (fibroblast growth factor receptor 2; minus strand). Cytogenetic location: 10q26.13.
Variant type: single nucleotide variant.
Coding change: c.1780C>G on transcript NM_000141.5 (MANE Select); coding-DNA position 1780, C replaced by G.
Protein change: p.Pro594Ala; replaces proline 594 with alanine.
Molecular consequence: missense variant. On other transcripts: non-coding transcript variant (1).
Genome position (GRCh38, 1-based): chr10:121,496,615, G>C on the plus strand (C>G on the coding strand, the complement: FGFR2 is on the minus strand). VCF-style: chr10-121496615-G-C. GRCh37 (hg19) VCF-style: chr10-123256129-G-C.
Other names: c.1783C>G, p.Pro595Ala (NM_001144913.1, NM_022970.4); c.1444C>G, p.Pro482Ala (NM_001144914.1); c.1513C>G, p.Pro505Ala (NM_001144915.2, NM_023029.3); c.1435C>G, p.Pro479Ala (NM_001144916.2); c.1432C>G, p.Pro478Ala (NM_001144917.2); c.1429C>G, p.Pro477Ala (NM_001144918.2); c.1516C>G, p.Pro506Ala (NM_001144919.2); c.1096C>G, p.Pro366Ala (NM_001320654.2); and 1 more; short protein forms P477A, P506A, P478A, P479A, P505A, P592A, P595A, P366A.
Identifiers: ClinVar variation 3781161 (VCV003781161.1).

ClinVar aggregate classification (germline): Uncertain significance (1 of 4 stars; one submission).

Submission:

GeneDx
Classification: Uncertain significance. Last evaluated: 2024-10-15. Review status: criteria provided, single submitter. Criteria: GeneDx Variant Classification Process June 2021. Collection method: clinical testing. Allele origin: germline. Affected: yes.
Comment: Not observed at significant frequency in large population cohorts (gnomAD); In silico analysis supports that this missense variant has a deleterious effect on protein structure/function; Has not been previously published as pathogenic or benign to our knowledge